The following is an entry in ClinVar:

NM_031885.5(BBS2):c.7C>T (p.Leu3=)

Gene: BBS2 (Bardet-Biedl syndrome 2; minus strand). Cytogenetic location: 16q13.
Variant type: single nucleotide variant.
Coding change: c.7C>T on transcript NM_031885.5 (MANE Select); coding-DNA position 7, C replaced by T.
Protein change: p.Leu3=; no amino-acid change (leucine 3 retained).
Molecular consequence: synonymous variant. On other transcripts: non-coding transcript variant (5).
Genome position (GRCh38, 1-based): chr16:56,519,856, G>A on the plus strand (C>T on the coding strand, the complement: BBS2 is on the minus strand). VCF-style: chr16-56519856-G-A. GRCh37 (hg19) VCF-style: chr16-56553768-G-A.
Other names: c.7C>T, p.Leu3= (NM_001377456.1).
Identifiers: ClinVar variation 3357448 (VCV003357448.1).
Genomic context (GRCh38, chr16:56,519,856, plus strand): 5'-GCCCTATGGCCACCATTCGGGGGCTGATTTTGTGGCGCAGTTTCAGGGTGAACACAGGCA[G>A]CAGCATGATGGCGGCGGCTTAGGGGAGGAGGGCTGGAAGCTGGAGACAAGCGCAGCGGAG-3'
Protein context (NP_114091.4, residues 1-13): ML[Leu3=]PVFTLKLRHK

ClinVar aggregate classification (germline): Likely benign (0 of 4 stars; one submission).

Conditions:
BBS2-related disorder. Also called: BBS2-related disorders; BBS2-related condition. Identifiers: MedGen CN239228.

gnomAD v4.1: 4 of 1,613,432 alleles (0.00025%); highest among the groups gnomAD compares: South Asian, 0.0011%; no homozygotes.

Submission:

PreventionGenetics, part of Exact Sciences
Classification: Likely benign for BBS2-related condition. Last evaluated: 2021-07-13. Review status: no assertion criteria provided. Collection method: clinical testing. Allele origin: germline.
Comment: This variant is classified as likely benign based on ACMG/AMP sequence variant interpretation guidelines (Richards et al. 2015 PMID: 25741868, with internal and published modifications).